The following is an entry in ClinVar:

ClinVar aggregate classification (germline): Benign/Likely benign. Review status: criteria provided, multiple submitters, no conflicts (2 of 4 stars). 14 submissions from 14 submitters: Benign (6); Likely benign (5). 3 of the submissions do not count toward it. Last evaluated 2026-06-01.

Conditions:
Inborn genetic diseases. Identifiers: MedGen C0950123, MeSH D030342.
Pitt-Hopkins-like syndrome 2 (PTHSL2). Identifiers: Orphanet 221150, Orphanet 600663, MedGen C3280479, MONDO:0013690, OMIM 614325.
NRXN1-related disorder.

Allele frequency attached by ClinVar (database versions not stated): 1000 Genomes Project 0.00180; 1000 Genomes Project 30x 0.00203; ExAC 0.00371; gnomAD exomes 0.00400 and 0.00683; ESP Exome Variant Server 0.00408; gnomAD 0.00479 and 0.00503; TOPMed 0.00498.
gnomAD v4.1: 10,744 of 1,614,012 alleles (0.67%); highest among the groups gnomAD compares: Middle Eastern, 1.2%; 55 homozygotes.

Submissions (14):

CeGaT Center for Human Genetics Tuebingen
Classification: Likely benign. Last evaluated: 2026-06-01. Review status: criteria provided, single submitter. Criteria: CeGaT Center For Human Genetics Tuebingen Variant Classification Criteria Version 2. Collection method: clinical testing. Allele origin: germline. Affected: yes. Observed: 38 variant alleles.
Comment: NRXN1: BP4, BS2

Labcorp Genetics (formerly Invitae), Labcorp
Classification: Benign for Pitt-Hopkins-like syndrome 2. Last evaluated: 2026-02-03. Review status: criteria provided, single submitter. Criteria: Invitae Variant Classification Sherloc (09022015). Collection method: clinical testing. Allele origin: germline.

ARUP Laboratories, Molecular Genetics and Genomics, ARUP Laboratories
Classification: Benign. Last evaluated: 2025-02-12. Review status: criteria provided, single submitter. Criteria: ARUP Molecular Germline Variant Investigation Process 2024. Collection method: clinical testing. Allele origin: germline.

Ambry Genetics
Classification: Likely benign for Inborn genetic diseases. Last evaluated: 2022-09-25. Review status: criteria provided, single submitter. Criteria: Ambry Variant Classification Scheme 2023. Collection method: clinical testing. Allele origin: germline.

Mayo Clinic Laboratories, Mayo Clinic
Classification: Benign. Last evaluated: 2018-12-13. Review status: criteria provided, single submitter. Criteria: ACMG Guidelines, 2015. Collection method: clinical testing. Allele origin: germline. Observed: 6 variant alleles.

Athena Diagnostics
Classification: Likely benign. Last evaluated: 2018-03-30. Review status: criteria provided, single submitter. Criteria: Athena Diagnostics Criteria. Collection method: clinical testing. Allele origin: germline.

Illumina Laboratory Services, Illumina
Classification: Benign for Pitt-Hopkins-like syndrome 2. Last evaluated: 2017-05-21. Review status: criteria provided, single submitter. Criteria: ICSL Variant Classification Criteria 13 December 2019. Collection method: clinical testing. Allele origin: germline.
Comment: This variant was observed as part of a predisposition screen in an ostensibly healthy population. A literature search was performed for the gene, cDNA change, and amino acid change (where applicable). No publications were found based on this search. Allele frequency data from public databases was too high to be consistent with this variant causing disease. Therefore, this variant is classified as benign.

Genetic Services Laboratory, University of Chicago
Classification: Likely benign. Last evaluated: 2017-01-12. Review status: criteria provided, single submitter. Criteria: ACMG Guidelines, 2015. Collection method: clinical testing. Allele origin: germline. Affected: no.

Eurofins Ntd Llc (ga)
Classification: Benign. Last evaluated: 2016-09-19. Review status: criteria provided, single submitter. Criteria: EGL Classification Definitions 2015. Collection method: clinical testing. Allele origin: germline. Observed: 1 variant allele, 1 heterozygote.

GeneDx
Classification: Benign. Last evaluated: 2012-04-30. Review status: criteria provided, single submitter. Criteria: GeneDx Variant Classification (06012015). Collection method: clinical testing. Allele origin: germline. Affected: yes.
Comment: This variant is considered likely benign or benign based on one or more of the following criteria: it is a conservative change, it occurs at a poorly conserved position in the protein, it is predicted to be benign by multiple in silico algorithms, and/or has population frequency not consistent with disease.

Breakthrough Genomics
Classification: Likely benign. Review status: criteria provided, single submitter. Criteria: ACMG Guidelines, 2015. Collection method: not provided. Allele origin: germline. Inheritance: Autosomal recessive inheritance. Affected: yes.

PreventionGenetics, part of Exact Sciences
Classification: Benign for NRXN1-related condition. Last evaluated: 2024-06-03. Review status: no assertion criteria provided. Collection method: clinical testing. Allele origin: germline. Not counted in ClinVar's aggregate classification.
Comment: This variant is classified as benign based on ACMG/AMP sequence variant interpretation guidelines (Richards et al. 2015 PMID: 25741868, with internal and published modifications).

Clinical Genetics DNA and cytogenetics Diagnostics Lab, Erasmus MC, Erasmus Medical Center
Classification: Likely benign. Review status: no assertion criteria provided. Collection method: clinical testing. Allele origin: germline. Affected: yes. Study: VKGL Data-share Consensus. Not counted in ClinVar's aggregate classification.

Diagnostic Laboratory, Department of Genetics, University Medical Center Groningen
Classification: Likely benign. Review status: no assertion criteria provided. Collection method: clinical testing. Allele origin: germline. Affected: yes. Study: VKGL Data-share Consensus. Not counted in ClinVar's aggregate classification.

NM_001330078.2(NRXN1):c.3933A>G (p.Ala1311=)

Gene: NRXN1 (neurexin 1; minus strand). Cytogenetic location: 2p16.3.
Variant type: single nucleotide variant.
Coding change: c.3933A>G on transcript NM_001330078.2 (MANE Select); coding-DNA position 3933, A replaced by G.
Protein change: p.Ala1311=; no amino-acid change (alanine 1311 retained).
Molecular consequence: synonymous variant.
Genome position (GRCh38, 1-based): chr2:50,053,466, T>C on the plus strand (A>G on the coding strand, the complement: NRXN1 is on the minus strand). VCF-style: chr2-50053466-T-C. GRCh37 (hg19) VCF-style: chr2-50280604-T-C.
Other names: p.A1351A:GCA>GCG; p.Ala1351=; c.4053A>G (NM_001135659.2); c.4053A>G, p.Ala1351= (NM_001135659.3); c.3909A>G, p.Ala1303= (NM_001330077.2, NM_001330082.2); c.3777A>G, p.Ala1259= (NM_001330083.2); c.3867A>G, p.Ala1289= (NM_001330084.2); c.3906A>G, p.Ala1302= (NM_001330085.2); and 9 more.
Identifiers: ClinVar variation 93602 (VCV000093602.57), dbSNP rs79970751, ClinGen allele CA285443.